The following is an entry in ClinVar:

NM_001365276.2(TNXB):c.1587C>T (p.Pro529=)

Gene: TNXB (tenascin XB; minus strand). Cytogenetic location: 6p21.33.
Variant type: single nucleotide variant.
Coding change: c.1587C>T on transcript NM_001365276.2 (MANE Select); coding-DNA position 1587, C replaced by T.
Protein change: p.Pro529=; no amino-acid change (proline 529 retained).
Molecular consequence: synonymous variant.
Genome position (GRCh38, 1-based): chr6:32,096,266, G>A on the plus strand (C>T on the coding strand, the complement: TNXB is on the minus strand). VCF-style: chr6-32096266-G-A. GRCh37 (hg19) VCF-style: chr6-32064043-G-A.
Other names: c.1587C>T, p.Pro529= (NM_019105.8).
Identifiers: ClinVar variation 1775828 (VCV001775828.4), dbSNP rs777108458, ClinGen allele CA3735652.

ClinVar aggregate classification (germline): Likely benign. Review status: criteria provided, single submitter (1 of 4 stars). 2 submissions from 2 submitters: Likely benign (1). 1 of the submissions does not count toward it. Last evaluated 2019-08-28.

Conditions:
Cardiovascular phenotype. Identifiers: MedGen CN230736.
TNXB-related disorder. Also called: TNXB-related condition.

Allele frequency attached by ClinVar (database versions not stated): gnomAD 0.00001; TOPMed 0.00001; gnomAD exomes 0.00003; ExAC 0.00009.

Submissions (2):

Ambry Genetics
Classification: Likely benign for Cardiovascular phenotype. Last evaluated: 2019-08-28. Review status: criteria provided, single submitter. Criteria: Ambry Variant Classification Scheme 2023. Collection method: clinical testing. Allele origin: germline.

PreventionGenetics, part of Exact Sciences
Classification: Likely benign for TNXB-related condition. Last evaluated: 2021-09-14. Review status: no assertion criteria provided. Collection method: clinical testing. Allele origin: germline. Not counted in ClinVar's aggregate classification.
Comment: This variant is classified as likely benign based on ACMG/AMP sequence variant interpretation guidelines (Richards et al. 2015 PMID: 25741868, with internal and published modifications).